The following is an entry in ClinVar:

NM_001114753.3(ENG):c.1844C>T (p.Ser615Leu)

Gene: ENG (endoglin; minus strand). Cytogenetic location: 9q34.11.
Variant type: single nucleotide variant.
Coding change: c.1844C>T on transcript NM_001114753.3 (MANE Select); coding-DNA position 1844, C replaced by T.
Protein change: p.Ser615Leu; replaces serine 615 with leucine.
Molecular consequence: missense variant.
Genome position (GRCh38, 1-based): chr9:127,815,951, G>A on the plus strand (C>T on the coding strand, the complement: ENG is on the minus strand). VCF-style: chr9-127815951-G-A. GRCh37 (hg19) VCF-style: chr9-130578230-G-A.
Other names: NM_000118.3(ENG):c.1844C>T(p.Ser615Leu); NM_001114753.2(ENG):c.1844C>T(p.Ser615Leu); NM_001278138.1(ENG):c.1298C>T(p.Ser433Leu); NM_001114753.3(ENG):c.1844C>T; c.1844C>T, p.Ser615Leu (NM_000118.4); c.1298C>T, p.Ser433Leu (NM_001278138.2); short protein forms S615L, S433L.
Identifiers: ClinVar variation 161229 (VCV000161229.58), dbSNP rs148002300, ClinGen allele CA211415.

ClinVar aggregate classification (germline): Likely benign. Review status: reviewed by expert panel (3 of 4 stars). 16 submissions from 16 submitters: Likely benign (1). 15 of the submissions do not count toward it. Last evaluated 2024-03-15.

Conditions:
Cardiovascular phenotype. Identifiers: MedGen CN230736.
Hereditary hemorrhagic telangiectasia (HHT). Also called: Osler hemorrhagic telangiectasia syndrome; ORW DISEASE; Osler Weber Rendu syndrome; OSLER-RENDU-WEBER DISEASE. Identifiers: Orphanet 774, MedGen C0039445, MONDO:0019180. Disease mechanism: loss of function.
Haemorrhagic telangiectasia 1.
Telangiectasia, hereditary hemorrhagic, type 1 (HHT1). Also called: Osler Weber Rendu syndrome type 1; ENG-Related Hereditary Hemorrhagic Telangiectasia. Identifiers: Orphanet 774, MedGen C4551861, MONDO:0008535, OMIM 187300. Disease mechanism: loss of function.

Allele frequency attached by ClinVar (database versions not stated): TOPMed 0.00131; gnomAD 0.00134; ESP Exome Variant Server 0.00154.
gnomAD v4.1: 3,197 of 1,599,576 alleles (0.2%); highest among the groups gnomAD compares: Non-Finnish European, 0.24%; 2 homozygotes.

Submissions (16):

ClinGen Hereditary Hemorrhagic Telangiectasia Variant Curation Expert Panel, ClinGen
Classification: Likely benign for Telangiectasia, hereditary hemorrhagic, type 1. Last evaluated: 2024-03-15. Review status: reviewed by expert panel. Criteria: ClinGen HHT ACMG Specifications ENG V1.1.0. Collection method: curation. Allele origin: germline. Inheritance: Autosomal dominant inheritance.
Comment: The NM_001114753.3: c.1844C>T variant in ENG is a missense variant predicted to cause substitution of serine by leucine at amino acid 615 (p.Ser615Leu). The filtering allele frequency (the lower threshold of the 95% CI of 285/115780) of the c.1844C>T variant in ENG is 0.002284 for European (non-Finnish) chromosomes by gnomAD v2.1.1, which is higher than the ClinGen Hereditary Hemorrhagic Telangiectasia Variant Curation Expert Panel threshold (>0.002) for BS1, and therefore meets this criterion (BS1). This variant has been observed in 1 patient with an alternate molecular basis for disease (patient also carries a likely pathogenic/pathogenic ACVRL1 variant) (BP5; PMID: 15712270). The computational predictor REVEL gives a score of 0.188, which is neither above nor below the thresholds predicting a damaging or benign impact on ENG function. However, cellular assays in NIH-3T3 cells showed that BMP9 binding and BMP9 response were all normal, indicating that this variant does not impact protein function (BS3_Supporting; PMID: 25312062, 22022569). In summary, this variant meets the criteria to be classified as likely benign for autosomal dominant hereditary hemorrhagic telangiectasia based on the ACMG/AMP criteria applied, as specified by the ClinGen Hereditary Hemorrhagic Telangiectasia Variant Curation Expert Panel: BS1, BP5, BS3_Supporting (specification version 1.0.0; 1/4/2024).

CeGaT Center for Human Genetics Tuebingen
Classification: Benign. Last evaluated: 2026-06-01. Review status: criteria provided, single submitter. Criteria: CeGaT Center For Human Genetics Tuebingen Variant Classification Criteria Version 2. Collection method: clinical testing. Allele origin: germline. Affected: yes. Observed: 5 variant alleles. Not counted in ClinVar's aggregate classification.
Comment: ENG: BP4, BS1, BS2

Labcorp Genetics (formerly Invitae), Labcorp
Classification: Likely benign for Hereditary hemorrhagic telangiectasia. Last evaluated: 2026-02-03. Review status: criteria provided, single submitter. Criteria: Invitae Variant Classification Sherloc (09022015). Collection method: clinical testing. Allele origin: germline. Not counted in ClinVar's aggregate classification.

Blueprint Genetics
Classification: Likely benign. Last evaluated: 2024-10-31. Review status: criteria provided, single submitter. Criteria: ACMG Guidelines, 2015. Collection method: clinical testing. Allele origin: germline. Not counted in ClinVar's aggregate classification.

ARUP Laboratories, Molecular Genetics and Genomics, ARUP Laboratories
Classification: Benign for Telangiectasia, hereditary hemorrhagic, type 1. Last evaluated: 2023-06-28. Review status: criteria provided, single submitter. Criteria: ARUP Molecular Germline Variant Investigation Process 2024. Collection method: clinical testing. Allele origin: germline. Not counted in ClinVar's aggregate classification.

GeneDx
Classification: Likely benign. Last evaluated: 2020-02-06. Review status: criteria provided, single submitter. Criteria: GeneDx Variant Classification Process June 2021. Collection method: clinical testing. Allele origin: germline. Affected: yes. Not counted in ClinVar's aggregate classification.
Comment: This variant is associated with the following publications: (PMID: 15712270, 24055113, 25637381, 22022569, 25312062, 30487145)

Mendelics
Classification: Benign for Telangiectasia, hereditary hemorrhagic, type 1. Last evaluated: 2019-05-28. Review status: criteria provided, single submitter. Criteria: Mendelics Assertion Criteria 2017. Collection method: clinical testing. Allele origin: unknown. Not counted in ClinVar's aggregate classification.

SIB Swiss Institute of Bioinformatics
Classification: Likely benign for Telangiectasia, hereditary hemorrhagic, type 1. Last evaluated: 2018-05-31. Review status: criteria provided, single submitter. Criteria: ACMG Guidelines, 2015. Collection method: curation. Allele origin: unknown. Not counted in ClinVar's aggregate classification.
Comment: This variant is interpreted as a Likely Benign, for Telangiectasia, hereditary hemorrhagic, type 1, in Autosomal Dominant manner. The following ACMG Tag(s) were applied: BS1 => Allele frequency is greater than expected for disorder. BS2-Supporting => BS2 downgraded in strength to supporting. BP2 => Observed in trans with a pathogenic variant for a fully penetrant dominant gene/disorder or observed in cis with a pathogenic variant in any inheritance pattern (PMID:15712270).

NIHR Bioresource Rare Diseases, University of Cambridge
Classification: Benign for Telangiectasia, hereditary hemorrhagic, type 1. Last evaluated: 2018-01-01. Review status: criteria provided, single submitter. Criteria: ACMG Guidelines, 2015. Collection method: research. Allele origin: unknown. Affected: yes. Observed: 1 variant allele. Not counted in ClinVar's aggregate classification.
Comment: BS1 +BP2+BP6

Ambry Genetics
Classification: Likely benign for Cardiovascular phenotype. Last evaluated: 2017-03-27. Review status: criteria provided, single submitter. Criteria: Ambry Variant Classification Scheme 2023. Collection method: clinical testing. Allele origin: germline. Not counted in ClinVar's aggregate classification.

Laboratory for Molecular Medicine, Mass General Brigham Personalized Medicine
Classification: Likely benign. Last evaluated: 2016-04-25. Review status: criteria provided, single submitter. Criteria: LMM Criteria. Collection method: clinical testing. Allele origin: germline. Not counted in ClinVar's aggregate classification.
Comment: Variant identified in a genome or exome case(s) and assessed due to predicted null impact of the variant or pathogenic assertions in the literature or databases. Disclaimer: This variant has not undergone full assessment. The following are preliminary notes: ExAC: 0.4% (108/26946) European chromosomes

PreventionGenetics, part of Exact Sciences
Classification: Likely benign. Review status: criteria provided, single submitter. Criteria: ACMG Guidelines, 2015. Collection method: clinical testing. Allele origin: germline. Not counted in ClinVar's aggregate classification.

CSER _CC_NCGL, University of Washington
Classification: Likely benign for Haemorrhagic telangiectasia 1. Last evaluated: 2014-06-01. Review status: no assertion criteria provided. Collection method: research. Allele origin: germline. Inheritance: Autosomal dominant inheritance. Study: ESP 6500 variant annotation. Not counted in ClinVar's aggregate classification.
Comment: Variants classified for the Actionable exomic incidental findings in 6503 participants: challenges of variant classification manuscript

Clinical Genetics, Academic Medical Center
Classification: Likely benign. Review status: no assertion criteria provided. Collection method: clinical testing. Allele origin: germline. Affected: yes. Study: VKGL Data-share Consensus. Not counted in ClinVar's aggregate classification.

Genome Diagnostics Laboratory, Amsterdam University Medical Center
Classification: Likely benign. Review status: no assertion criteria provided. Collection method: clinical testing. Allele origin: germline. Affected: yes. Study: VKGL Data-share Consensus. Not counted in ClinVar's aggregate classification.

Genome Diagnostics Laboratory, University Medical Center Utrecht
Classification: Likely benign. Review status: no assertion criteria provided. Collection method: clinical testing. Allele origin: germline. Affected: yes. Study: VKGL Data-share Consensus. Not counted in ClinVar's aggregate classification.

Literature cited by the submitters: PubMed 15712270 (cited by SIB Swiss Institute of Bioinformatics and Ambry Genetics); PubMed 32573726 (cited by NIHR Bioresource Rare Diseases, University of Cambridge); PubMed 16690726 (cited by Ambry Genetics); PubMed 17384219 (cited by Ambry Genetics); PubMed 20414677 (cited by Ambry Genetics); PubMed 22022569 (cited by Ambry Genetics); PubMed 24055113 (cited by Ambry Genetics); PubMed 25312062 (cited by Ambry Genetics); PubMed 25637381 (cited by Ambry Genetics).